The following is an entry in ClinVar:

NM_005044.5(PRKX):c.345G>A (p.Thr115=)

Gene: PRKX (protein kinase cAMP-dependent X-linked catalytic subunit; minus strand). Cytogenetic location: Xp22.33.
Variant type: single nucleotide variant.
Coding change: c.345G>A on transcript NM_005044.5 (MANE Select); coding-DNA position 345, G replaced by A.
Protein change: p.Thr115=; no amino-acid change (threonine 115 retained).
Molecular consequence: synonymous variant.
Genome position (GRCh38, 1-based): chrX:3,655,403, C>T on the plus strand (G>A on the coding strand, the complement: PRKX is on the minus strand). VCF-style: chrX-3655403-C-T. GRCh37 (hg19) VCF-style: chrX-3573444-C-T.
Identifiers: ClinVar variation 2659893 (VCV002659893.24), dbSNP rs776540974, ClinGen allele CA10340777.

ClinVar aggregate classification (germline): Likely benign (1 of 4 stars; one submission).

Allele frequency attached by ClinVar (database versions not stated): TOPMed below 0.00001; ExAC 0.00002; gnomAD 0.00002; 1000 Genomes Project 30x 0.00021; 1000 Genomes Project 0.00026.
gnomAD v4.1: 27 of 1,210,991 alleles (0.0022%); highest among the groups gnomAD compares: East Asian, 0.003%; no homozygotes.

Submission:

CeGaT Center for Human Genetics Tuebingen
Classification: Likely benign. Last evaluated: 2022-09-01. Review status: criteria provided, single submitter. Criteria: CeGaT Center For Human Genetics Tuebingen Variant Classification Criteria Version 2. Collection method: clinical testing. Allele origin: germline. Affected: yes. Observed: 1 variant allele.
Comment: PRKX: BP4, BP7